The following is an entry in ClinVar:

NM_005633.4(SOS1):c.244A>T (p.Ile82Phe)

Gene: SOS1 (SOS Ras/Rac guanine nucleotide exchange factor 1; minus strand). Cytogenetic location: 2p22.1.
Variant type: single nucleotide variant.
Coding change: c.244A>T on transcript NM_005633.4 (MANE Select); coding-DNA position 244, A replaced by T.
Protein change: p.Ile82Phe; replaces isoleucine 82 with phenylalanine.
Molecular consequence: missense variant.
Genome position (GRCh38, 1-based): chr2:39,058,774, T>A on the plus strand (A>T on the coding strand, the complement: SOS1 is on the minus strand). VCF-style: chr2-39058774-T-A. GRCh37 (hg19) VCF-style: chr2-39285915-T-A.
Other names: c.223A>T, p.Ile75Phe (NM_001382394.1); c.244A>T, p.Ile82Phe (NM_001382395.1); short protein forms I75F, I82F.
Identifiers: ClinVar variation 3625404 (VCV003625404.2).

ClinVar aggregate classification (germline): Uncertain significance (1 of 4 stars; one submission).

Conditions:
RASopathy. Also called: Noonan spectrum disorder; rasopathies. Identifiers: Orphanet 536391, MedGen C5555857, MONDO:0021060.

Submission:

Labcorp Genetics (formerly Invitae), Labcorp
Classification: Uncertain significance for RASopathy. Last evaluated: 2024-02-20. Review status: criteria provided, single submitter. Criteria: Invitae Variant Classification Sherloc (09022015). Collection method: clinical testing. Allele origin: germline.
Comment: This sequence change replaces isoleucine, which is neutral and non-polar, with phenylalanine, which is neutral and non-polar, at codon 82 of the SOS1 protein (p.Ile82Phe). This variant is not present in population databases (gnomAD no frequency). This variant has not been reported in the literature in individuals affected with SOS1-related conditions. Advanced modeling of protein sequence and biophysical properties (such as structural, functional, and spatial information, amino acid conservation, physicochemical variation, residue mobility, and thermodynamic stability) performed at Invitae indicates that this missense variant is expected to disrupt SOS1 protein function with a positive predictive value of 95%. In summary, the available evidence is currently insufficient to determine the role of this variant in disease. Therefore, it has been classified as a Variant of Uncertain Significance.